The following is an entry in ClinVar:

NM_007325.5(GRIA3):c.1755CAA[1] (p.Asn587del)

Gene: GRIA3 (glutamate ionotropic receptor AMPA type subunit 3; plus strand). Cytogenetic location: Xq25.
Variant type: Microsatellite.
Coding change: c.1755CAA[1] on transcript NM_007325.5 (MANE Select); one copy of the 3-base unit CAA starting at c.1755; the reference has two copies in a row; one copy, 3 bases deleted.
Protein change: p.Asn587del; deletes asparagine 587.
Molecular consequence: inframe deletion.
Genome position (GRCh38, 1-based): chrX:123,417,659-123,417,661, CAA deleted; deleting any 3 consecutive bases within chrX:123,417,655-123,417,661 gives the same sequence; the position shown is the placement nearest the transcript's 3' end. VCF-style (leftmost placement, unchanged base first): chrX-123417654-GACA-G. GRCh37 (hg19) VCF-style: chrX-122551505-GACA-G.
Other names: c.1755CAA[1], p.Asn587del (NM_000828.5); c.1758_1760delCAA (NM_000828.4); short protein forms N587del.
Identifiers: ClinVar variation 1302833 (VCV001302833.8), dbSNP rs2045543461, ClinGen allele CA2455891069.

ClinVar aggregate classification (germline): Uncertain significance. Review status: criteria provided, multiple submitters, no conflicts (2 of 4 stars). 3 submissions from 3 submitters: Uncertain significance (3). Last evaluated 2024-05-16.

Conditions:
Inborn genetic diseases. Identifiers: MedGen C0950123, MeSH D030342.

Submissions (3):

Labcorp Genetics (formerly Invitae), Labcorp
Classification: Uncertain significance. Last evaluated: 2024-05-16. Review status: criteria provided, single submitter. Criteria: Invitae Variant Classification Sherloc (09022015). Collection method: clinical testing. Allele origin: germline.
Comment: This variant, c.1758_1760del, results in the deletion of 1 amino acid(s) of the GRIA3 protein (p.Asn587del), but otherwise preserves the integrity of the reading frame. This variant is not present in population databases (gnomAD no frequency). This variant has not been reported in the literature in individuals affected with GRIA3-related conditions. ClinVar contains an entry for this variant (Variation ID: 1302833). Experimental studies and prediction algorithms are not available or were not evaluated, and the functional significance of this variant is currently unknown. In summary, the available evidence is currently insufficient to determine the role of this variant in disease. Therefore, it has been classified as a Variant of Uncertain Significance.

GeneDx
Classification: Uncertain significance. Last evaluated: 2021-02-24. Review status: criteria provided, single submitter. Criteria: GeneDx Variant Classification Process June 2021. Collection method: clinical testing. Allele origin: germline. Affected: yes.
Comment: Has not been previously published as pathogenic or benign to our knowledge

Ambry Genetics
Classification: Uncertain significance for Inborn genetic diseases. Last evaluated: 2019-11-21. Review status: criteria provided, single submitter. Criteria: Ambry Variant Classification Scheme 2023. Collection method: clinical testing. Allele origin: germline.
Comment: The c.1758_1760delCAA variant (also known as p.N587del) is located in coding exon 11 of the GRIA3 gene. This variant results from an in-frame CAA deletion at nucleotide positions 1758 to 1760. This results in the in-frame deletion of an asparagine at codon 587. In addition, this alteration is predicted to be neutral by in silico analysis (Choi Y et al. PLoS ONE. 2012; 7(10):e46688). This amino acid position is well conserved in available vertebrate species. Since supporting evidence is limited at this time, the clinical significance of this alteration remains unclear.